The following is an entry in ClinVar:

ClinVar aggregate classification (germline): Uncertain significance (1 of 4 stars; one submission).

Allele frequency attached by ClinVar (database versions not stated): gnomAD exomes below 0.00001; TOPMed below 0.00001; gnomAD 0.00001.
gnomAD v4.1: 3 of 1,613,726 alleles (0.00019%); highest among the groups gnomAD compares: Non-Finnish European, 0.00025%; no homozygotes.

Submission:

GeneDx
Classification: Uncertain significance. Last evaluated: 2022-11-11. Review status: criteria provided, single submitter. Criteria: GeneDx Variant Classification Process June 2021. Collection method: clinical testing. Allele origin: germline. Affected: yes.
Comment: Not observed at significant frequency in large population cohorts (gnomAD); In silico analysis supports that this missense variant does not alter protein structure/function; Has not been previously published as pathogenic or benign to our knowledge

NM_000552.5(VWF):c.7106G>C (p.Arg2369Thr)

Gene: VWF (von Willebrand factor; minus strand). Cytogenetic location: 12p13.31.
Variant type: single nucleotide variant.
Coding change: c.7106G>C on transcript NM_000552.5 (MANE Select); coding-DNA position 7106, G replaced by C.
Protein change: p.Arg2369Thr; replaces arginine 2369 with threonine.
Molecular consequence: missense variant.
Genome position (GRCh38, 1-based): chr12:5,981,967, C>G on the plus strand (G>C on the coding strand, the complement: VWF is on the minus strand). VCF-style: chr12-5981967-C-G. GRCh37 (hg19) VCF-style: chr12-6091133-C-G.
Other names: short protein forms R2369T.
Identifiers: ClinVar variation 2502045 (VCV002502045.1), dbSNP rs1254154100, ClinGen allele CA383491303.